The following is an entry in ClinVar:

ClinVar aggregate classification (germline): Uncertain significance (1 of 4 stars; one submission).

Conditions:
Epilepsy, familial adult myoclonic, 5 (EPEO5). Also called: CORTICAL MYOCLONIC TREMOR WITH EPILEPSY, FAMILIAL, 5. Identifiers: Orphanet 86814, MedGen C3809374, MONDO:0014167, OMIM 615400.

Allele frequency attached by ClinVar (database versions not stated): gnomAD 0.00001; gnomAD exomes 0.00002 and 0.00003; ExAC 0.00004; TOPMed 0.00004; ESP Exome Variant Server 0.00008.
gnomAD v4.1: 36 of 1,602,676 alleles (0.0022%); highest among the groups gnomAD compares: Admixed American, 0.0051%; no homozygotes.

Submission:

Labcorp Genetics (formerly Invitae), Labcorp
Classification: Uncertain significance for Epilepsy, familial adult myoclonic, 5. Last evaluated: 2025-12-29. Review status: criteria provided, single submitter. Criteria: Invitae Variant Classification Sherloc (09022015). Collection method: clinical testing. Allele origin: germline.
Comment: This sequence change replaces arginine, which is basic and polar, with histidine, which is basic and polar, at codon 426 of the CNTN2 protein (p.Arg426His). This variant is present in population databases (rs143340514, gnomAD 0.009%). This variant has not been reported in the literature in individuals affected with CNTN2-related conditions. ClinVar contains an entry for this variant (Variation ID: 855593). Invitae Evidence Modeling of protein sequence and biophysical properties (such as structural, functional, and spatial information, amino acid conservation, physicochemical variation, residue mobility, and thermodynamic stability) indicates that this missense variant is not expected to disrupt CNTN2 protein function with a negative predictive value of 95%. In summary, the available evidence is currently insufficient to determine the role of this variant in disease. Therefore, it has been classified as a Variant of Uncertain Significance.

NM_005076.5(CNTN2):c.1277G>A (p.Arg426His)

Gene: CNTN2 (contactin 2; plus strand). Cytogenetic location: 1q32.1.
Variant type: single nucleotide variant.
Coding change: c.1277G>A on transcript NM_005076.5 (MANE Select); coding-DNA position 1277, G replaced by A.
Protein change: p.Arg426His; replaces arginine 426 with histidine.
Molecular consequence: missense variant. On other transcripts: non-coding transcript variant (1).
Genome position (GRCh38, 1-based): chr1:205,064,358, G>A. VCF-style: chr1-205064358-G-A. GRCh37 (hg19) VCF-style: chr1-205033486-G-A.
Other names: c.1277G>A, p.Arg426His (NM_001346083.2); short protein forms R426H.
Identifiers: ClinVar variation 855593 (VCV000855593.7), dbSNP rs143340514, ClinGen allele CA1351325.